The following is an entry in ClinVar:

NM_025215.6(PUS1):c.240G>A (p.Lys80=)

Gene: PUS1 (pseudouridine synthase 1; plus strand). Cytogenetic location: 12q24.33.
Variant type: single nucleotide variant.
Coding change: c.240G>A on transcript NM_025215.6 (MANE Select); coding-DNA position 240, G replaced by A.
Protein change: p.Lys80=; no amino-acid change (lysine 80 retained).
Molecular consequence: synonymous variant.
Genome position (GRCh38, 1-based): chr12:131,930,072, G>A. VCF-style: chr12-131930072-G-A. GRCh37 (hg19) VCF-style: chr12-132414617-G-A.
Other names: p.Lys80=; c.156G>A, p.Lys52= (NM_001002019.3, NM_001002020.3).
Identifiers: ClinVar variation 1080779 (VCV001080779.10), dbSNP rs2136429461, ClinGen allele CA482841708.

ClinVar aggregate classification (germline): Likely benign. Review status: criteria provided, multiple submitters, no conflicts (2 of 4 stars). 2 submissions from 2 submitters: Likely benign (2). Last evaluated 2025-02-05.

Submissions (2):

Mayo Clinic Laboratories, Mayo Clinic
Classification: Likely benign. Last evaluated: 2025-02-05. Review status: criteria provided, single submitter. Criteria: ACMG Guidelines, 2015. Collection method: clinical testing. Allele origin: germline. Observed: 1 variant allele.
Comment: BP4, BP7

Labcorp Genetics (formerly Invitae), Labcorp
Classification: Likely benign. Last evaluated: 2020-06-16. Review status: criteria provided, single submitter. Criteria: Invitae Variant Classification Sherloc (09022015). Collection method: clinical testing. Allele origin: germline.